The following is an entry in ClinVar:

NM_014028.4(OSTM1):c.*3319T>G

Gene: OSTM1 (osteoclastogenesis associated transmembrane protein 1; minus strand). Cytogenetic location: 6q21.
Variant type: single nucleotide variant.
Coding change: c.*3319T>G on transcript NM_014028.4 (MANE Select); 3319 bases downstream of the stop codon, T replaced by G.
Molecular consequence: 3 prime UTR variant.
Genome position (GRCh38, 1-based): chr6:108,041,466, A>C on the plus strand (T>G on the coding strand, the complement: OSTM1 is on the minus strand). VCF-style: chr6-108041466-A-C. GRCh37 (hg19) VCF-style: chr6-108362670-A-C.
Identifiers: ClinVar variation 354927 (VCV000354927.5), dbSNP rs112919802, ClinGen allele CA10622690.

ClinVar aggregate classification (germline): Benign (1 of 4 stars; one submission).

Conditions:
Autosomal recessive osteopetrosis 5. Identifiers: Orphanet 85179, MedGen C1968603, MONDO:0009817, OMIM 259720.

Allele frequency attached by ClinVar (database versions not stated): 1000 Genomes Project 0.01897; 1000 Genomes Project 30x 0.02014; gnomAD 0.02054 and 0.02222; TOPMed 0.02342.

Submission:

Illumina Laboratory Services, Illumina
Classification: Benign for Autosomal recessive osteopetrosis 5. Last evaluated: 2018-01-13. Review status: criteria provided, single submitter. Criteria: ICSL Variant Classification Criteria 13 December 2019. Collection method: clinical testing. Allele origin: germline.
Comment: This variant was observed in the ICSL laboratory as part of a predisposition screen in an ostensibly healthy population. It had not been previously curated by ICSL or reported in the Human Gene Mutation Database (HGMD: prior to June 1st, 2018), and was therefore a candidate for classification through an automated scoring system. Utilizing variant allele frequency, disease prevalence and penetrance estimates, and inheritance mode, an automated score was calculated to assess if this variant is too frequent to cause the disease. Based on the score and internal cut-off values, a variant classified as benign is not then subjected to further curation. The score for this variant resulted in a classification of benign for this disease.